The following is an entry in ClinVar:

ClinVar aggregate classification (germline): Uncertain significance. Review status: criteria provided, multiple submitters, no conflicts (2 of 4 stars). 2 submissions from 2 submitters: Uncertain significance (2). Last evaluated 2022-08-22.

Conditions:
Immunodeficiency 51 (IMD51). Also called: CANDIDIASIS, FAMILIAL, 5. Identifiers: Orphanet 1334, MedGen C4310803, MONDO:0013500, OMIM 613953.

Allele frequency attached by ClinVar (database versions not stated): TOPMed 0.00001; ExAC 0.00004.
gnomAD v4.1: 14 of 1,611,254 alleles (0.00087%); highest among the groups gnomAD compares: Admixed American, 0.0017%; no homozygotes.

Submissions (2):

Labcorp Genetics (formerly Invitae), Labcorp
Classification: Uncertain significance for Immunodeficiency 51. Last evaluated: 2022-08-22. Review status: criteria provided, single submitter. Criteria: Invitae Variant Classification Sherloc (09022015). Collection method: clinical testing. Allele origin: germline.
Comment: This sequence change replaces aspartic acid, which is acidic and polar, with asparagine, which is neutral and polar, at codon 512 of the IL17RA protein (p.Asp512Asn). This variant is present in population databases (rs752747061, gnomAD 0.004%). This variant has not been reported in the literature in individuals affected with IL17RA-related conditions. Algorithms developed to predict the effect of missense changes on protein structure and function are either unavailable or do not agree on the potential impact of this missense change (SIFT: "Deleterious"; PolyPhen-2: "Probably Damaging"; Align-GVGD: "Class C15"). In summary, the available evidence is currently insufficient to determine the role of this variant in disease. Therefore, it has been classified as a Variant of Uncertain Significance.

Ambry Genetics
Classification: Uncertain significance. Last evaluated: 2021-09-16. Review status: criteria provided, single submitter. Criteria: Ambry Variant Classification Scheme 2023. Collection method: clinical testing. Allele origin: germline.

NM_014339.7(IL17RA):c.1534G>A (p.Asp512Asn)

Gene: IL17RA (interleukin 17 receptor A; plus strand). Cytogenetic location: 22q11.1.
Variant type: single nucleotide variant.
Coding change: c.1534G>A on transcript NM_014339.7 (MANE Select); coding-DNA position 1534, G replaced by A.
Protein change: p.Asp512Asn; replaces aspartic acid 512 with asparagine.
Molecular consequence: missense variant.
Genome position (GRCh38, 1-based): chr22:17,108,753, G>A. VCF-style: chr22-17108753-G-A. GRCh37 (hg19) VCF-style: chr22-17589643-G-A.
Other names: c.1432G>A, p.Asp478Asn (NM_001289905.2); short protein forms D512N, D478N.
Identifiers: ClinVar variation 1957280 (VCV001957280.3), dbSNP rs752747061, ClinGen allele CA10086780.